The following is an entry in ClinVar:

NM_000202.8(IDS):c.236C>T (p.Ala79Val)

Gene: IDS (iduronate 2-sulfatase; minus strand). Cytogenetic location: Xq28.
Variant type: single nucleotide variant.
Coding change: c.236C>T on transcript NM_000202.8 (MANE Select); coding-DNA position 236, C replaced by T.
Protein change: p.Ala79Val; replaces alanine 79 with valine.
Molecular consequence: missense variant. On other transcripts: non-coding transcript variant (1).
Genome position (GRCh38, 1-based): chrX:149,504,161, G>A on the plus strand (C>T on the coding strand, the complement: IDS is on the minus strand). VCF-style: chrX-149504161-G-A. GRCh37 (hg19) VCF-style: chrX-148585691-G-A.
Other names: c.10C>T, p.Arg4Cys (NM_001166550.4); c.236C>T, p.Ala79Val (NM_006123.5); short protein forms A79V, R4C.
Identifiers: ClinVar variation 588641 (VCV000588641.9), dbSNP rs368513342, ClinGen allele CA10537721.

ClinVar aggregate classification (germline): Uncertain significance. Review status: criteria provided, multiple submitters, no conflicts (2 of 4 stars). 3 submissions from 3 submitters: Uncertain significance (2). 1 of the submissions does not count toward it. Last evaluated 2022-12-01.

Conditions:
Mucopolysaccharidosis, MPS-II (MPS2). Also called: Attenuated MPS (subtype; formerly known as mild MPS II); Severe MPS II; I2S deficiency; MPS 2; Hunter Syndrome; IDURONATE 2-SULFATASE DEFICIENCY. Identifiers: Orphanet 580, Orphanet 79388, MedGen C0026705, MONDO:0010674, OMIM 309900.
Mucopolysaccharidosis, MPS-III-A (MPS3A). Also called: Mucopolysaccharidosis, type IIIA; MPS IIIA (Sanfilippo Syndrome Type A); MPS III A; SANFILIPPO SYNDROME A; SULFAMIDASE DEFICIENCY; Mucopolysaccharidosis type IIIA (Sanfilippo A). Identifiers: Orphanet 581, Orphanet 79269, MedGen C0086647, MONDO:0009655, OMIM 252900.
Inborn genetic diseases. Identifiers: MedGen C0950123, MeSH D030342.

gnomAD v4.1: 7 of 1,207,003 alleles (0.00058%); highest among the groups gnomAD compares: South Asian, 0.0053%; no homozygotes.

Submissions (3):

Revvity Omics, Revvity
Classification: Uncertain significance for Mucopolysaccharidosis, MPS-II. Last evaluated: 2022-12-01. Review status: criteria provided, single submitter. Criteria: ACMG Guidelines, 2015. Collection method: clinical testing. Allele origin: germline.

Ambry Genetics
Classification: Uncertain significance for Inborn genetic diseases. Last evaluated: 2017-05-22. Review status: criteria provided, single submitter. Criteria: Ambry Variant Classification Scheme 2023. Collection method: clinical testing. Allele origin: germline.
Comment: The p.A79V variant (also known as c.236C>T), located in coding exon 2 of the IDS gene, results from a C to T substitution at nucleotide position 236. The alanine at codon 79 is replaced by valine, an amino acid with similar properties. Another alteration at this position has been reported in the literature in an individual with mild symptoms of Hunter syndrome (Karsten S et al. Hum. Genet. 1998 Dec;103(6):732-5). This amino acid position is well conserved in available vertebrate species. In addition, this alteration is predicted to be deleterious by in silico analysis. Since supporting evidence is limited at this time, the clinical significance of this alteration remains unclear.

Natera, Inc.
Classification: Uncertain significance for Mucopolysaccharidosis type IIIA. Last evaluated: 2019-11-11. Review status: no assertion criteria provided. Collection method: clinical testing. Allele origin: germline. Not counted in ClinVar's aggregate classification.